The following is an entry in ClinVar:

NM_001365999.1(SZT2):c.8151+11C>T

Gene: SZT2 (SZT2 subunit of KICSTOR complex; plus strand). Cytogenetic location: 1p34.2.
Variant type: single nucleotide variant.
Coding change: c.8151+11C>T on transcript NM_001365999.1 (MANE Select); 11 bases into the intron after coding-DNA position 8151, C replaced by T.
Molecular consequence: intron variant.
Genome position (GRCh38, 1-based): chr1:43,442,629, C>T. VCF-style: chr1-43442629-C-T. GRCh37 (hg19) VCF-style: chr1-43908300-C-T.
Other names: c.7980+11C>T (NM_015284.4).
Identifiers: ClinVar variation 1633127 (VCV001633127.11), dbSNP rs78750047, ClinGen allele CA810456.

ClinVar aggregate classification (germline): Benign/Likely benign. Review status: criteria provided, multiple submitters, no conflicts (2 of 4 stars). 4 submissions from 4 submitters: Benign (2); Likely benign (2). Last evaluated 2025-02-12.

Conditions:
Developmental and epileptic encephalopathy, 18 (DEE18). Also called: Early infantile epileptic encephalopathy 18. Identifiers: Orphanet 369894, MedGen C3809624, MONDO:0014201, OMIM 615476.

Allele frequency attached by ClinVar (database versions not stated): gnomAD 0.00001 and 0.00002; TOPMed 0.00004; gnomAD exomes 0.00008 and 0.00011; ExAC 0.00011; 1000 Genomes Project 30x 0.00031; 1000 Genomes Project 0.00040.
gnomAD v4.1: 120 of 1,590,282 alleles (0.0075%); highest among the groups gnomAD compares: East Asian, 0.2%; 1 homozygote.

Submissions (4):

Labcorp Genetics (formerly Invitae), Labcorp
Classification: Benign. Last evaluated: 2025-02-12. Review status: criteria provided, single submitter. Criteria: Invitae Variant Classification Sherloc (09022015). Collection method: clinical testing. Allele origin: germline.

Women's Health and Genetics/Laboratory Corporation of America, LabCorp
Classification: Likely benign. Last evaluated: 2023-10-17. Review status: criteria provided, single submitter. Criteria: LabCorp Variant Classification Summary - May 2015. Collection method: clinical testing. Allele origin: germline.
Comment: Variant summary: C1orf84 c.7980+11C>T alters a non-conserved nucleotide located at a position not widely known to affect splicing. Consensus agreement among computation tools predict no significant impact on normal splicing. However, these predictions have yet to be confirmed by functional studies. The variant allele was found at a frequency of 0.0001 in 266476 control chromosomes in the gnomAD database, including 1 homozygote. To our knowledge, no occurrence of c.7980+11C>T in individuals affected with Early Infantile Epileptic Encephalopathy 18 and no experimental evidence demonstrating its impact on protein function have been reported. One submitter has cited clinical-significance assessments for this variant to ClinVar after 2014 and has classified the variant as benign. Based on the evidence outlined above, the variant was classified as likely benign.

Blueprint Genetics
Classification: Likely benign. Last evaluated: 2023-04-21. Review status: criteria provided, single submitter. Criteria: ACMG Guidelines, 2015. Collection method: clinical testing. Allele origin: germline.

Genome-Nilou Lab
Classification: Benign for Developmental and epileptic encephalopathy, 18. Last evaluated: 2023-04-11. Review status: criteria provided, single submitter. Criteria: ACMG Guidelines, 2015. Collection method: clinical testing. Allele origin: germline. Affected: no.